The following is an entry in ClinVar:

ClinVar aggregate classification (germline): Uncertain significance (1 of 4 stars; one submission).

Conditions:
Symmetrical dyschromatosis of extremities (DSH). Also called: DYSCHROMATOSIS SYMMETRICA HEREDITARIA 1; RETICULATE ACROPIGMENTATION OF DOHI; SYMMETRIC DYSCHROMATOSIS OF THE EXTREMITIES; Dyschromatosis symmetrica hereditaria. Identifiers: Orphanet 41, MedGen C0406775, MONDO:0007483, OMIM 127400.
Aicardi-Goutieres syndrome 6 (AGS6). Identifiers: Orphanet 51, MedGen C3539013, MONDO:0014007, OMIM 615010.

Allele frequency attached by ClinVar (database versions not stated): gnomAD exomes below 0.00001; ExAC 0.00001.
gnomAD v4.1: 1 of 1,614,100 alleles (0.000062%); highest among the groups gnomAD compares: South Asian, 0.0011%; no homozygotes.

Submission:

Labcorp Genetics (formerly Invitae), Labcorp
Classification: Uncertain significance for Aicardi-Goutieres syndrome 6; Symmetrical dyschromatosis of extremities. Last evaluated: 2019-06-04. Review status: criteria provided, single submitter. Criteria: Invitae Variant Classification Sherloc (09022015). Collection method: clinical testing. Allele origin: germline.
Comment: This sequence change replaces serine with asparagine at codon 614 of the ADAR protein (p.Ser614Asn). The serine residue is weakly conserved and there is a small physicochemical difference between serine and asparagine. This variant is present in population databases (rs766823464, ExAC 0.006%). This variant has not been reported in the literature in individuals with ADAR-related conditions. Algorithms developed to predict the effect of missense changes on protein structure and function output the following: SIFT: "Tolerated"; PolyPhen-2: "Benign"; Align-GVGD: "Class C0". The asparagine amino acid residue is found in multiple mammalian species, suggesting that this missense change does not adversely affect protein function. These predictions have not been confirmed by published functional studies and their clinical significance is uncertain. In summary, the available evidence is currently insufficient to determine the role of this variant in disease. Therefore, it has been classified as a Variant of Uncertain Significance.

NM_001111.5(ADAR):c.1841G>A (p.Ser614Asn)

Gene: ADAR (adenosine deaminase RNA specific; minus strand). Cytogenetic location: 1q21.3.
Variant type: single nucleotide variant.
Coding change: c.1841G>A on transcript NM_001111.5 (MANE Select); coding-DNA position 1841, G replaced by A.
Protein change: p.Ser614Asn; replaces serine 614 with asparagine.
Molecular consequence: missense variant.
Genome position (GRCh38, 1-based): chr1:154,597,921, C>T on the plus strand (G>A on the coding strand, the complement: ADAR is on the minus strand). VCF-style: chr1-154597921-C-T. GRCh37 (hg19) VCF-style: chr1-154570397-C-T.
Other names: c.956G>A, p.Ser319Asn (NM_001025107.3, NM_001193495.2, NM_001365046.1 and 3 more transcripts); c.1868G>A, p.Ser623Asn (NM_001365045.1); c.1841G>A, p.Ser614Asn (NM_015840.4, NM_015841.4); short protein forms S614N, S623N, S319N.
Identifiers: ClinVar variation 948668 (VCV000948668.9), dbSNP rs766823464, ClinGen allele CA1131446.